The following is an entry in ClinVar:

ClinVar aggregate classification (germline): Uncertain significance (1 of 4 stars; one submission).

Conditions:
Dystonic disorder. Also called: Dystonia. Identifiers: MedGen C0013421, MONDO:0003441, HP:0001332.

Allele frequency attached by ClinVar (database versions not stated): TOPMed 0.00001; gnomAD exomes below 0.00001; ExAC 0.00001; gnomAD 0.00001.
gnomAD v4.1: 3 of 1,614,158 alleles (0.00019%); highest among the groups gnomAD compares: Admixed American, 0.0017%; no homozygotes.

Submission:

Labcorp Genetics (formerly Invitae), Labcorp
Classification: Uncertain significance for Dystonic disorder. Last evaluated: 2020-08-03. Review status: criteria provided, single submitter. Criteria: Invitae Variant Classification Sherloc (09022015). Collection method: clinical testing. Allele origin: germline.
Comment: In summary, the available evidence is currently insufficient to determine the role of this variant in disease. Therefore, it has been classified as a Variant of Uncertain Significance. Algorithms developed to predict the effect of missense changes on protein structure and function (SIFT, PolyPhen-2, Align-GVGD) all suggest that this variant is likely to be tolerated, but these predictions have not been confirmed by published functional studies and their clinical significance is uncertain. This variant has not been reported in the literature in individuals with CIZ1-related conditions. This variant is present in population databases (rs749765483, ExAC 0.001%). This sequence change replaces alanine with valine at codon 475 of the CIZ1 protein (p.Ala475Val). The alanine residue is moderately conserved and there is a small physicochemical difference between alanine and valine.

NM_001131016.2(CIZ1):c.1424C>T (p.Ala475Val)

Gene: CIZ1 (CDKN1A interacting zinc finger protein 1; minus strand). Cytogenetic location: 9q34.11.
Variant type: single nucleotide variant.
Coding change: c.1424C>T on transcript NM_001131016.2 (MANE Select); coding-DNA position 1424, C replaced by T.
Protein change: p.Ala475Val; replaces alanine 475 with valine.
Molecular consequence: missense variant.
Genome position (GRCh38, 1-based): chr9:128,178,783, G>A on the plus strand (C>T on the coding strand, the complement: CIZ1 is on the minus strand). VCF-style: chr9-128178783-G-A. GRCh37 (hg19) VCF-style: chr9-130941062-G-A.
Other names: c.1256C>T, p.Ala419Val (NM_001131015.2); c.1241C>T, p.Ala414Val (NM_001131017.2); c.1184C>T, p.Ala395Val (NM_001131018.2); c.1514C>T, p.Ala505Val (NM_001257975.2); c.1121C>T, p.Ala374Val (NM_001257976.2); c.1424C>T, p.Ala475Val (NM_012127.3); short protein forms A374V, A395V, A414V, A419V, A475V, A505V.
Identifiers: ClinVar variation 1057312 (VCV001057312.9), dbSNP rs749765483, ClinGen allele CA5257309.